The following is an entry in ClinVar:

ClinVar aggregate classification (germline): Uncertain significance (1 of 4 stars; one submission).

Conditions:
Hypertrophic cardiomyopathy. Also called: HYPERTROPHIC MYOCARDIOPATHY. Identifiers: Orphanet 217569, MedGen C0007194, MeSH D002312, MONDO:0005045, HP:0001639.

Allele frequency attached by ClinVar (database versions not stated): ExAC 0.00001; gnomAD 0.00001; 1000 Genomes Project 0.00080.

Submission:

Labcorp Genetics (formerly Invitae), Labcorp
Classification: Uncertain significance for Hypertrophic cardiomyopathy. Last evaluated: 2023-03-20. Review status: criteria provided, single submitter. Criteria: Invitae Variant Classification Sherloc (09022015). Collection method: clinical testing. Allele origin: germline.
Comment: This sequence change replaces threonine, which is neutral and polar, with serine, which is neutral and polar, at codon 190 of the MYOM1 protein (p.Thr190Ser). This variant is not present in population databases (gnomAD no frequency). This variant has not been reported in the literature in individuals affected with MYOM1-related conditions. Algorithms developed to predict the effect of missense changes on protein structure and function output the following: SIFT: "Not Available"; PolyPhen-2: "Benign"; Align-GVGD: "Not Available". The serine amino acid residue is found in multiple mammalian species, which suggests that this missense change does not adversely affect protein function. In summary, the available evidence is currently insufficient to determine the role of this variant in disease. Therefore, it has been classified as a Variant of Uncertain Significance.

NM_003803.4(MYOM1):c.568A>T (p.Thr190Ser)

Gene: MYOM1 (myomesin 1; minus strand). Cytogenetic location: 18p11.31.
Variant type: single nucleotide variant.
Coding change: c.568A>T on transcript NM_003803.4 (MANE Select); coding-DNA position 568, A replaced by T.
Protein change: p.Thr190Ser; replaces threonine 190 with serine.
Molecular consequence: missense variant.
Genome position (GRCh38, 1-based): chr18:3,188,951, T>A on the plus strand (A>T on the coding strand, the complement: MYOM1 is on the minus strand). VCF-style: chr18-3188951-T-A. GRCh37 (hg19) VCF-style: chr18-3188949-T-A.
Other names: c.568A>T, p.Thr190Ser (NM_019856.2); short protein forms T190S.
Identifiers: ClinVar variation 2912324 (VCV002912324.3), dbSNP rs201810917, ClinGen allele CA8875214.